The following is an entry in ClinVar:

ClinVar aggregate classification (germline): Conflicting classifications of pathogenicity. Review status: criteria provided, conflicting classifications (1 of 4 stars). 2 submissions from 2 submitters: Uncertain significance (1); Likely benign (1). Last evaluated 2025-07-16.

Conditions:
Familial hypobetalipoproteinemia 1. Also called: APOB-Related Familial Hypobetalipoproteinemia; Hypobetalipoproteinemia, normotriglyceridemic; Acanthocytosis with hypobetalipoproteinemia. Identifiers: MedGen C4551990, MONDO:0014252, OMIM 615558.
Hypercholesterolemia, autosomal dominant, type B (FHCL2). Also called: Familial Hypercholesterolemia Type B; APOLIPOPROTEIN B-100, FAMILIAL DEFECTIVE; APOLIPOPROTEIN B-100, FAMILIAL LIGAND-DEFECTIVE; HYPERCHOLESTEROLEMIA, FAMILIAL, DUE TO LIGAND-DEFECTIVE APOLIPOPROTEIN B; Familial hypercholesterolemia 2; Hyperlipoproteinemia Type IIb. Identifiers: MedGen C1704417, MONDO:0007751, OMIM 144010.

Allele frequency attached by ClinVar (database versions not stated): gnomAD exomes 0.00001.
gnomAD v4.1: 14 of 1,612,744 alleles (0.00087%); highest among the groups gnomAD compares: Non-Finnish European, 0.0011%; no homozygotes.

Submissions (2):

Labcorp Genetics (formerly Invitae), Labcorp
Classification: Likely benign for Familial hypobetalipoproteinemia 1; Hypercholesterolemia, autosomal dominant, type B. Last evaluated: 2025-07-16. Review status: criteria provided, single submitter. Criteria: Invitae Variant Classification Sherloc (09022015). Collection method: clinical testing. Allele origin: germline.

Quest Diagnostics Nichols Institute San Juan Capistrano
Classification: Uncertain significance. Last evaluated: 2023-01-13. Review status: criteria provided, single submitter. Criteria: Quest Diagnostics criteria. Collection method: clinical testing. Allele origin: unknown.
Comment: This variant has not been reported in the published literature. It also has not been reported in large, multi-ethnic general populations. Analysis of this variant using software algorithms for the prediction of the effect of nucleotide changes on splicing yielded predictions that this variant does not affect APOB mRNA splicing . Based on the available information, we are unable to determine the clinical significance of this variant.

NM_000384.3(APOB):c.1827A>G (p.Gln609=)

Gene: APOB (apolipoprotein B; minus strand). Cytogenetic location: 2p24.1.
Variant type: single nucleotide variant.
Coding change: c.1827A>G on transcript NM_000384.3 (MANE Select); coding-DNA position 1827, A replaced by G.
Protein change: p.Gln609=; no amino-acid change (glutamine 609 retained).
Molecular consequence: synonymous variant.
Genome position (GRCh38, 1-based): chr2:21,028,329, T>C on the plus strand (A>G on the coding strand, the complement: APOB is on the minus strand). VCF-style: chr2-21028329-T-C. GRCh37 (hg19) VCF-style: chr2-21251201-T-C.
Identifiers: ClinVar variation 2681876 (VCV002681876.4), dbSNP rs1038269557, ClinGen allele CA43524208.